The following is an entry in ClinVar:

ClinVar aggregate classification (germline): Benign (1 of 4 stars; one submission).

Allele frequency attached by ClinVar (database versions not stated): ExAC 0.01048; gnomAD exomes 0.01366; gnomAD 0.01780; TOPMed 0.02191; 1000 Genomes Project 0.02456; 1000 Genomes Project 30x 0.02608.
gnomAD v4.1: 11,452 of 789,664 alleles (1.5%); highest among the groups gnomAD compares: Admixed American, 14%; 621 homozygotes.

Submission:

Unidad de Genómica Garrahan, Hospital de Pediatría Garrahan
Classification: Benign. Last evaluated: 2023-11-12. Review status: criteria provided, single submitter. Criteria: ACMG Guidelines, 2015. Collection method: clinical testing. Allele origin: germline. Affected: no. Observed: 24 variant alleles.
Comment: This variant is classified as Benign based on local population frequency. This variant was detected in 25% of patients studied by a panel of primary immunodeficiencies. Number of patients: 24. Only high quality variants are reported.

NM_006949.4(STXBP2):c.247-165G>A

Gene: STXBP2 (syntaxin binding protein 2; plus strand). Cytogenetic location: 19p13.2.
Variant type: single nucleotide variant.
Coding change: c.247-165G>A on transcript NM_006949.4 (MANE Select); 165 bases into the intron before coding-DNA position 247, G replaced by A.
Molecular consequence: intron variant.
Genome position (GRCh38, 1-based): chr19:7,640,566, G>A. VCF-style: chr19-7640566-G-A. GRCh37 (hg19) VCF-style: chr19-7705452-G-A.
Other names: c.151-165G>A (NM_001414484.1); c.247-132G>A (NM_001272034.2); c.247-174G>A (NM_001127396.3).
Identifiers: ClinVar variation 2628258 (VCV002628258.2), dbSNP rs186799855, ClinGen allele CA9143504.